The following is an entry in ClinVar:

ClinVar aggregate classification (germline): Uncertain significance (1 of 4 stars; one submission).

Conditions:
Dystonia 12 (DYT12). Also called: DYT-ATP1A3; Rapid-Onset Dystonia-Parkinsonism (RDP). Identifiers: Orphanet 71517, MedGen C1868681, MONDO:0007496, OMIM 128235.

Submission:

Labcorp Genetics (formerly Invitae), Labcorp
Classification: Uncertain significance for Dystonia 12. Last evaluated: 2024-04-10. Review status: criteria provided, single submitter. Criteria: Invitae Variant Classification Sherloc (09022015). Collection method: clinical testing. Allele origin: germline.
Comment: This sequence change falls in intron 12 of the ATP1A3 gene. It does not directly change the encoded amino acid sequence of the ATP1A3 protein. It affects a nucleotide within the consensus splice site. This variant is not present in population databases (gnomAD no frequency). This variant has not been reported in the literature in individuals affected with ATP1A3-related conditions. Variants that disrupt the consensus splice site are a relatively common cause of aberrant splicing (PMID: 17576681, 9536098). Algorithms developed to predict the effect of sequence changes on RNA splicing suggest that this variant may disrupt the consensus splice site. In summary, the available evidence is currently insufficient to determine the role of this variant in disease. Therefore, it has been classified as a Variant of Uncertain Significance.

Literature cited by the submitters: PubMed 17576681; PubMed 9536098.

NM_152296.5(ATP1A3):c.1630+5G>A

Gene: ATP1A3 (ATPase Na+/K+ transporting subunit alpha 3; minus strand). Cytogenetic location: 19q13.2.
Variant type: single nucleotide variant.
Coding change: c.1630+5G>A on transcript NM_152296.5 (MANE Select); 5 bases into the intron after coding-DNA position 1630, G replaced by A.
Molecular consequence: intron variant.
Genome position (GRCh38, 1-based): chr19:41,978,601, C>T on the plus strand (G>A on the coding strand, the complement: ATP1A3 is on the minus strand). VCF-style: chr19-41978601-C-T. GRCh37 (hg19) VCF-style: chr19-42482753-C-T.
Other names: c.1669+5G>A (NM_001256214.2); c.1663+5G>A (NM_001256213.2).
Identifiers: ClinVar variation 3648428 (VCV003648428.2).